The following is an entry in ClinVar:

ClinVar aggregate classification (germline): Pathogenic. Review status: criteria provided, single submitter (1 of 4 stars). 2 submissions from 2 submitters: Pathogenic (1). 1 of the submissions does not count toward it. Last evaluated 2024-05-09.

Allele frequency attached by ClinVar (database versions not stated): gnomAD exomes below 0.00001.

Submissions (2):

GeneDx
Classification: Pathogenic. Last evaluated: 2024-05-09. Review status: criteria provided, single submitter. Criteria: GeneDx Variant Classification Process June 2021. Collection method: clinical testing. Allele origin: germline. Affected: yes.
Comment: Not observed at significant frequency in large population cohorts (gnomAD); In silico analysis supports that this missense variant has a deleterious effect on protein structure/function; This variant is associated with the following publications: (PMID: 23216579, 24798517, 28717674, 31087664, 31004928, 21714819)

OMIM
Classification: Uncertain significance for VARIANT OF UNKNOWN SIGNIFICANCE. Last evaluated: 2011-07-01. Review status: no assertion criteria provided. Collection method: literature only. Allele origin: germline. Not counted in ClinVar's aggregate classification.

Literature cited by the submitters: PubMed 21714819 (cited by OMIM).

NM_198904.4(GABRG2):c.247C>T (p.Pro83Ser)

Gene: GABRG2 (gamma-aminobutyric acid type A receptor subunit gamma2; plus strand). Cytogenetic location: 5q34.
Variant type: single nucleotide variant.
Coding change: c.247C>T on transcript NM_198904.4 (MANE Select); coding-DNA position 247, C replaced by T.
Protein change: p.Pro83Ser; replaces proline 83 with serine.
Molecular consequence: missense variant. On other transcripts: 5 prime UTR variant (3).
Genome position (GRCh38, 1-based): chr5:162,093,967, C>T. VCF-style: chr5-162093967-C-T. GRCh37 (hg19) VCF-style: chr5-161520973-C-T.
Other names: c.247C>T, p.Pro83Ser (NM_000816.3, NM_001375340.1, NM_001375341.1 and 4 more transcripts); c.238C>T, p.Pro80Ser (NM_001375339.1); c.181C>T, p.Pro61Ser (NM_001375345.1, NM_001375346.1); c.160C>T, p.Pro54Ser (NM_001375347.1); c.-112C>T (NM_001375348.1, NM_001375350.1); c.-39C>T (NM_001375349.1); short protein forms P83S, P54S, P61S, P80S.
Identifiers: ClinVar variation 127233 (VCV000127233.5), dbSNP rs587777365, ClinGen allele CA230804.